The following is an entry in ClinVar:

ClinVar aggregate classification (germline): Uncertain significance (1 of 4 stars; one submission).

Conditions:
Dyskeratosis congenita, autosomal dominant 2. Identifiers: MedGen C3151443, MONDO:0013521, OMIM 613989.
Idiopathic Pulmonary Fibrosis. Also called: Idiopathic fibrosing alveolitis, chronic form; idiopathic fibrosing alveolitis. Identifiers: Orphanet 2032, MedGen C1800706, MeSH D054990, MONDO:0800504.

Submission:

Labcorp Genetics (formerly Invitae), Labcorp
Classification: Uncertain significance for Dyskeratosis congenita, autosomal dominant 2; Idiopathic Pulmonary Fibrosis. Last evaluated: 2022-09-05. Review status: criteria provided, single submitter. Criteria: Invitae Variant Classification Sherloc (09022015). Collection method: clinical testing. Allele origin: germline.
Comment: This sequence change replaces arginine, which is basic and polar, with serine, which is neutral and polar, at codon 263 of the TERT protein (p.Arg263Ser). Information on the frequency of this variant in the gnomAD database is not available, as this variant may be reported differently in the database. This variant has not been reported in the literature in individuals affected with TERT-related conditions. Experimental studies and prediction algorithms are not available or were not evaluated, and the functional significance of this variant is currently unknown. In summary, the available evidence is currently insufficient to determine the role of this variant in disease. Therefore, it has been classified as a Variant of Uncertain Significance.

NM_198253.3(TERT):c.786_787delinsAA (p.Arg263Ser)

Gene: TERT (telomerase reverse transcriptase; minus strand). Cytogenetic location: 5p15.33.
Variant type: Indel.
Coding change: c.786_787delinsAA on transcript NM_198253.3 (MANE Select); coding-DNA positions 786 to 787, GC replaced by AA.
Protein change: p.Arg263Ser; replaces arginine 263 with serine.
Molecular consequence: missense variant. On other transcripts: non-coding transcript variant (2).
Genome position (GRCh38, 1-based): chr5:1,294,099-1,294,100, GC replaced by TT on the plus strand (GC replaced by AA on the coding strand, the reverse complement: TERT is on the minus strand). VCF-style: chr5-1294099-GC-TT. GRCh37 (hg19) VCF-style: chr5-1294214-GC-TT.
Other names: c.786_787delinsAA, p.Arg263Ser (NM_001193376.3); c.786_787delGCinsAA, p.Arg263Ser (NM_003219.1); short protein forms R263S.
Identifiers: ClinVar variation 2016389 (VCV002016389.4), dbSNP rs2478420095, ClinGen allele CA2580072154.